The following is an entry in ClinVar:

NM_001127222.2(CACNA1A):c.235T>G (p.Phe79Val)

Gene: CACNA1A (calcium voltage-gated channel subunit alpha1 A; minus strand). Cytogenetic location: 19p13.13.
Variant type: single nucleotide variant.
Coding change: c.235T>G on transcript NM_001127222.2 (MANE Select); coding-DNA position 235, T replaced by G.
Protein change: p.Phe79Val; replaces phenylalanine 79 with valine.
Molecular consequence: missense variant.
Genome position (GRCh38, 1-based): chr19:13,505,990, A>C on the plus strand (T>G on the coding strand, the complement: CACNA1A is on the minus strand). VCF-style: chr19-13505990-A-C. GRCh37 (hg19) VCF-style: chr19-13616804-A-C.
Other names: c.235T>G, p.Phe79Val (NM_000068.4, NM_001127221.2, NM_001174080.2 and 1 more transcripts); short protein forms F79V.
Identifiers: ClinVar variation 1382117 (VCV001382117.6), dbSNP rs2145192231, ClinGen allele CA404970914.
Genomic context (GRCh38, chr19:13,505,990, plus strand): 5'-ATGGCCATTCGGTGATCTTTTTGGCGTATTTTCTCACCACGTTGTCTTCGCTGAAGAGGA[A>C]GAGAGACCGGTTAACCGTGAGGCAGTTCTGTCGGACGGGGATGGGGTTGTAGAGTGCCAT-3'
Protein context (NP_001120694.1, residues 69-89): QNCLTVNRSL[Phe79Val]LFSEDNVVRK

ClinVar aggregate classification (germline): Uncertain significance (1 of 4 stars; one submission).

Conditions:
Developmental and epileptic encephalopathy, 42 (DEE42A). Also called: Epileptic encephalopathy, early infantile, 42; DEVELOPMENTAL AND EPILEPTIC ENCEPHALOPATHY 42A; EPILEPTIC ENCEPHALOPATHY, EARLY INFANTILE, 42A. Identifiers: MedGen C4310716, MONDO:0014917, OMIM 617106.
Episodic ataxia type 2 (EA2). Also called: EPISODIC ATAXIA, NYSTAGMUS-ASSOCIATED; ACETAZOLAMIDE-RESPONSIVE HEREDITARY PAROXYSMAL CEREBELLAR ATAXIA; ATAXIA, EPISODIC, WITH NYSTAGMUS; ATAXIA, FAMILIAL PAROXYSMAL; CEREBELLAR ATAXIA, PAROXYSMAL, ACETAZOLAMIDE-RESPONSIVE; CEREBELLOPATHY, HEREDITARY PAROXYSMAL. Identifiers: Orphanet 97, MedGen C1720416, MONDO:0007163, OMIM 108500.

Submission:

Labcorp Genetics (formerly Invitae), Labcorp
Classification: Uncertain significance for Developmental and epileptic encephalopathy, 42; Episodic ataxia type 2. Last evaluated: 2022-07-25. Review status: criteria provided, single submitter. Criteria: Invitae Variant Classification Sherloc (09022015). Collection method: clinical testing. Allele origin: germline.
Comment: In summary, the available evidence is currently insufficient to determine the role of this variant in disease. Therefore, it has been classified as a Variant of Uncertain Significance. Algorithms developed to predict the effect of missense changes on protein structure and function (SIFT, PolyPhen-2, Align-GVGD) all suggest that this variant is likely to be disruptive. ClinVar contains an entry for this variant (Variation ID: 1382117). This missense change has been observed in individual(s) with clinical features of CACNA1A-related conditions (Invitae). This variant is not present in population databases (gnomAD no frequency). This sequence change replaces phenylalanine, which is neutral and non-polar, with valine, which is neutral and non-polar, at codon 79 of the CACNA1A protein (p.Phe79Val).